The following is an entry in ClinVar:

NM_004260.4(RECQL4):c.2131G>A (p.Glu711Lys)

Gene: RECQL4 (RecQ like helicase 4; minus strand). Cytogenetic location: 8q24.3.
Variant type: single nucleotide variant.
Coding change: c.2131G>A on transcript NM_004260.4 (MANE Select); coding-DNA position 2131, G replaced by A.
Protein change: p.Glu711Lys; replaces glutamic acid 711 with lysine.
Molecular consequence: missense variant.
Genome position (GRCh38, 1-based): chr8:144,513,640, C>T on the plus strand (G>A on the coding strand, the complement: RECQL4 is on the minus strand). VCF-style: chr8-144513640-C-T. GRCh37 (hg19) VCF-style: chr8-145739024-C-T.
Other names: short protein forms E711K.
Identifiers: ClinVar variation 135135 (VCV000135135.13), dbSNP rs371818842, ClinGen allele CA161827.

ClinVar aggregate classification (germline): Benign/Likely benign. Review status: criteria provided, multiple submitters, no conflicts (2 of 4 stars). 4 submissions from 4 submitters: Benign (2); Likely benign (1). 1 of the submissions does not count toward it. Last evaluated 2026-02-01.

Conditions:
Baller-Gerold syndrome (BGS). Also called: CRANIOSYNOSTOSIS WITH RADIAL DEFECTS. Identifiers: Orphanet 1225, MedGen C0265308, MONDO:0009039, OMIM 218600.

Allele frequency attached by ClinVar (database versions not stated): gnomAD 0.00016 and 0.00023; TOPMed 0.00034; gnomAD exomes 0.00069; ExAC 0.00102; 1000 Genomes Project 0.00180; 1000 Genomes Project 30x 0.00187.
gnomAD v4.1: 257 of 1,588,558 alleles (0.016%); highest among the groups gnomAD compares: East Asian, 0.47%; 1 homozygote.

Submissions (4):

Labcorp Genetics (formerly Invitae), Labcorp
Classification: Benign for Baller-Gerold syndrome. Last evaluated: 2026-02-01. Review status: criteria provided, single submitter. Criteria: Invitae Variant Classification Sherloc (09022015). Collection method: clinical testing. Allele origin: germline.

Blueprint Genetics
Classification: Likely benign. Last evaluated: 2024-10-31. Review status: criteria provided, single submitter. Criteria: ACMG Guidelines, 2015. Collection method: clinical testing. Allele origin: germline.

Breakthrough Genomics
Classification: Benign. Review status: criteria provided, single submitter. Criteria: ACMG Guidelines, 2015. Collection method: not provided. Allele origin: germline. Inheritance: Autosomal recessive inheritance. Affected: yes.

ITMI
No classification provided. Condition: AllHighlyPenetrant. Last evaluated: 2013-09-19. Review status: no classification provided. Collection method: reference population. Allele origin: germline. Not counted in ClinVar's aggregate classification.
Comment: Please see associated publication for description of ethnicities

Literature cited by the submitters: PubMed 24728327 (cited by ITMI).